The following is an entry in ClinVar:

ClinVar aggregate classification (germline): Pathogenic (1 of 4 stars; one submission).

Conditions:
Anauxetic dysplasia. Identifiers: Orphanet 93347, MedGen C1846796, MONDO:0011773.

Submission:

Labcorp Genetics (formerly Invitae), Labcorp
Classification: Pathogenic for Anauxetic dysplasia. Last evaluated: 2022-08-16. Review status: criteria provided, single submitter. Criteria: Invitae Variant Classification Sherloc (09022015). Collection method: clinical testing. Allele origin: germline.
Comment: This variant occurs in the RMRP gene, which encodes an RNA molecule that does not result in a protein product. This variant is not present in population databases (gnomAD no frequency). While this particular variant has not been reported in the literature, it is located in the promoter region between the TATA box and the transcription initiation site, and other insertions and duplications immediately upstream of the coding sequence have been reported in individuals affected with cartilage-hair hypoplasia-anauxetic dysplasia (CHH-AD) spectrum disorders (PMID: 16244706, 11207361, 12107819). ClinVar contains an entry for this variant (Variation ID: 943372). While functional studies for this variant have not been reported, experimental analyses using patient derived cells, as well as in vitro transfection studies, have shown that promoter insertions result in silencing of RMRP transcription and reduced expression of the gene product (PMID: 11207361, 16254002). For these reasons, this variant has been classified as Pathogenic.

Literature cited by the submitters: PubMed 16244706; PubMed 11207361; PubMed 12107819; PubMed 16254002.

NC_000009.12:g.35658022_35658023insTCTCAGCTTCACAGAGTAGTGT

Gene: RMRP (RNA component of mitochondrial RNA processing endoribonuclease; minus strand). Cytogenetic location: 9p13.3.
Variant type: Insertion.
Genome position: GRCh38 VCF-style: chr9-35658020-C-CGTTCTCAGCTTCACAGAGTAGT. GRCh37 (hg19) VCF-style: chr9-35658017-C-CGTTCTCAGCTTCACAGAGTAGT.
Identifiers: ClinVar variation 943372 (VCV000943372.9), dbSNP rs1554651405, ClinGen allele CA1139660927.